The following is an entry in ClinVar:

ClinVar aggregate classification (germline): Uncertain significance. Review status: criteria provided, multiple submitters, no conflicts (2 of 4 stars). 2 submissions from 2 submitters: Uncertain significance (2). Last evaluated 2024-10-30.

Conditions:
TMEM67-related disorder. Also called: TMEM67-related disorders; TMEM67-related condition. Identifiers: MedGen CN239423.
Joubert syndrome. Also called: Familial aplasia of the vermis; JOUBERT-BOLTSHAUSER SYNDROME. Identifiers: Orphanet 475, MedGen C5979921, MONDO:0018772.
Meckel-Gruber syndrome. Also called: Dysencephalia splachnocystica; GRUBER SYNDROME; DYSENCEPHALIA SPLANCHNOCYSTICA. Identifiers: Orphanet 564, MedGen C0265215, MONDO:0018921.

Allele frequency attached by ClinVar (database versions not stated): gnomAD exomes 0.00001 and 0.00003; TOPMed 0.00002; gnomAD 0.00005.
gnomAD v4.1: 50 of 1,613,840 alleles (0.0031%); highest among the groups gnomAD compares: Non-Finnish European, 0.004%; no homozygotes.

Submissions (2):

PreventionGenetics, part of Exact Sciences
Classification: Uncertain significance for TMEM67-related condition. Last evaluated: 2024-10-30. Review status: criteria provided, single submitter. Criteria: ACMG Guidelines, 2015. Collection method: clinical testing. Allele origin: germline.
Comment: The TMEM67 c.453G>C variant is predicted to result in the amino acid substitution p.Glu151Asp. To our knowledge, this variant has not been reported in the literature. This variant is reported in 0.0040% of alleles in individuals of African descent in gnomAD. At this time, the clinical significance of this variant is uncertain due to the absence of conclusive functional and genetic evidence.

Labcorp Genetics (formerly Invitae), Labcorp
Classification: Uncertain significance for Joubert syndrome; Meckel-Gruber syndrome. Last evaluated: 2021-11-04. Review status: criteria provided, single submitter. Criteria: Invitae Variant Classification Sherloc (09022015). Collection method: clinical testing. Allele origin: germline.
Comment: This sequence change replaces glutamic acid, which is acidic and polar, with aspartic acid, which is acidic and polar, at codon 151 of the TMEM67 protein (p.Glu151Asp). This variant is present in population databases (rs200155700, gnomAD 0.004%). This variant has not been reported in the literature in individuals affected with TMEM67-related conditions. Advanced modeling of protein sequence and biophysical properties (such as structural, functional, and spatial information, amino acid conservation, physicochemical variation, residue mobility, and thermodynamic stability) performed at Invitae indicates that this missense variant is not expected to disrupt TMEM67 protein function. In summary, the available evidence is currently insufficient to determine the role of this variant in disease. Therefore, it has been classified as a Variant of Uncertain Significance.

NM_153704.6(TMEM67):c.453G>C (p.Glu151Asp)

Gene: TMEM67 (transmembrane protein 67; plus strand). Cytogenetic location: 8q22.1.
Variant type: single nucleotide variant.
Coding change: c.453G>C on transcript NM_153704.6 (MANE Select); coding-DNA position 453, G replaced by C.
Protein change: p.Glu151Asp; replaces glutamic acid 151 with aspartic acid.
Molecular consequence: missense variant. On other transcripts: non-coding transcript variant (1).
Genome position (GRCh38, 1-based): chr8:93,763,888, G>C. VCF-style: chr8-93763888-G-C. GRCh37 (hg19) VCF-style: chr8-94776116-G-C.
Other names: c.210G>C, p.Glu70Asp (NM_001142301.1); c.453G>C (NM_153704.5); short protein forms E151D, E70D.
Identifiers: ClinVar variation 1367192 (VCV001367192.4), dbSNP rs200155700, ClinGen allele CA181310662.